The following is an entry in ClinVar:

ClinVar aggregate classification (germline): Pathogenic (1 of 4 stars; one submission).

Conditions:
Ocular albinism, type I (OA1). Also called: NETTLESHIP-FALLS TYPE OCULAR ALBINISM; Ocular Albinism type 1; X-linked recessive ocular albinism; Ocular albinism, type I, Nettleship-Falls type. Identifiers: Orphanet 54, MedGen C0342684, MONDO:0021019, OMIM 300500.

Submission:

Molecular Genetics, University Hospital Bordeaux
Classification: Pathogenic for Ocular albinism, type I. Last evaluated: 2026-02-26. Review status: criteria provided, single submitter. Criteria: ACMG Guidelines, 2015. Collection method: clinical testing. Allele origin: germline, inherited. Inheritance: X-linked recessive inheritance. Affected: yes. Observed: 10 variant alleles, 2 heterozygotes, 2 homozygotes, 6 hemizygotes.
Comment: NM_000273.3:c.121_148del; p.(Leu41ProfsTer37) is absent in the control population database gnomAD v4.1.0. It causes a frameshift predicted to result in a premature termination of translation. ACMG criteria used for classification are: PVS1 (frameshift), PM2 (absent from control population), PP1 (cosegregation with disease in one family).

NM_000273.3(GPR143):c.121_148del (p.Leu41fs)

Gene: GPR143 (G protein-coupled receptor 143; minus strand). Cytogenetic location: Xp22.2.
Variant type: Deletion.
Coding change: c.121_148del on transcript NM_000273.3 (MANE Select); coding-DNA positions 121 to 148, 28 bases deleted (TTGGCGCTGGGCCTTCTGCAGCTGCTGC).
Protein change: p.Leu41fs; shifts the reading frame from leucine 41.
Molecular consequence: frameshift variant.
Genome position (GRCh38, 1-based): chrX:9,765,670-9,765,697, GCAGCAGCTGCAGAAGGCCCAGCGCCAA deleted on the plus strand (TTGGCGCTGGGCCTTCTGCAGCTGCTGC on the coding strand, the reverse complement: GPR143 is on the minus strand); deleting any 28 consecutive bases within chrX:9,765,670-9,765,699 gives the same sequence; the c. name uses the placement nearest the transcript's 3' end. VCF-style (leftmost placement, unchanged base first): chrX-9765669-GGCAGCAGCTGCAGAAGGCCCAGCGCCAA-G. GRCh37 (hg19) VCF-style: chrX-9733709-GGCAGCAGCTGCAGAAGGCCCAGCGCCAA-G.
Other names: c.121_148del, p.Leu41fs (NM_001440781.1); short protein forms L41fs.
Identifiers: ClinVar variation 4819418 (VCV004819418.1).